The following is an entry in ClinVar:

ClinVar aggregate classification (germline): Benign/Likely benign. Review status: criteria provided, multiple submitters, no conflicts (2 of 4 stars). 4 submissions from 4 submitters: Benign (2); Likely benign (2). Last evaluated 2026-01-28.

Conditions:
ALG9 congenital disorder of glycosylation (CDG1L). Also called: CONGENITAL DISORDER OF GLYCOSYLATION, TYPE Il; CDG Il; ALG9-CDG. Identifiers: Orphanet 79328, MedGen C2931006, MONDO:0012117, OMIM 608776.

Submissions (4):

Labcorp Genetics (formerly Invitae), Labcorp
Classification: Benign for ALG9 congenital disorder of glycosylation. Last evaluated: 2026-01-28. Review status: criteria provided, single submitter. Criteria: Invitae Variant Classification Sherloc (09022015). Collection method: clinical testing. Allele origin: germline.

Blueprint Genetics
Classification: Likely benign. Last evaluated: 2024-10-18. Review status: criteria provided, single submitter. Criteria: ACMG Guidelines, 2015. Collection method: clinical testing. Allele origin: germline.

CeGaT Center for Human Genetics Tuebingen
Classification: Benign. Last evaluated: 2023-03-01. Review status: criteria provided, single submitter. Criteria: CeGaT Center For Human Genetics Tuebingen Variant Classification Criteria Version 2. Collection method: clinical testing. Allele origin: germline. Affected: yes. Observed: 1 variant allele.
Comment: ATP6V0A2: BS1, BS2

GeneDx
Classification: Likely benign. Last evaluated: 2021-04-13. Review status: criteria provided, single submitter. Criteria: GeneDx Variant Classification Process June 2021. Collection method: clinical testing. Allele origin: germline. Affected: yes.

NM_012463.4(ATP6V0A2):c.522-13del

Gene: ATP6V0A2 (ATPase H+ transporting V0 subunit a2; plus strand). Cytogenetic location: 12q24.31.
Variant type: Deletion.
Coding change: c.522-13del on transcript NM_012463.4 (MANE Select); 13 bases into the intron before coding-DNA position 522, one base deleted (T; older notation c.522-13delT).
Molecular consequence: intron variant.
Genome position (GRCh38, 1-based): chr12:123,727,770, T deleted; the last of 3 consecutive T bases (chr12:123,727,768-123,727,770); deleting any one gives the same sequence. VCF-style (leftmost placement, unchanged base first): chr12-123727767-CT-C. GRCh37 (hg19) VCF-style: chr12-124212314-CT-C.
Identifiers: ClinVar variation 421058 (VCV000421058.38), dbSNP rs140638516, ClinGen allele CA6861657.